The following is an entry in ClinVar:

NM_004260.4(RECQL4):c.1040G>A (p.Arg347His)

Gene: RECQL4 (RecQ like helicase 4; minus strand). Cytogenetic location: 8q24.3.
Variant type: single nucleotide variant.
Coding change: c.1040G>A on transcript NM_004260.4 (MANE Select); coding-DNA position 1040, G replaced by A.
Protein change: p.Arg347His; replaces arginine 347 with histidine.
Molecular consequence: missense variant.
Genome position (GRCh38, 1-based): chr8:144,516,079, C>T on the plus strand (G>A on the coding strand, the complement: RECQL4 is on the minus strand). VCF-style: chr8-144516079-C-T. GRCh37 (hg19) VCF-style: chr8-145741463-C-T.
Other names: short protein forms R347H.
Identifiers: ClinVar variation 459293 (VCV000459293.22), dbSNP rs757988816, ClinGen allele CA4949102.

ClinVar aggregate classification (germline): Uncertain significance. Review status: criteria provided, multiple submitters, no conflicts (2 of 4 stars). 3 submissions from 3 submitters: Uncertain significance (3). Last evaluated 2024-12-30.

Conditions:
Baller-Gerold syndrome (BGS). Also called: CRANIOSYNOSTOSIS WITH RADIAL DEFECTS. Identifiers: Orphanet 1225, MedGen C0265308, MONDO:0009039, OMIM 218600.

Allele frequency attached by ClinVar (database versions not stated): ExAC 0.00004; TOPMed 0.00006; gnomAD 0.00008.
gnomAD v4.1: 104 of 1,612,642 alleles (0.0064%); highest among the groups gnomAD compares: East Asian, 0.094%; no homozygotes.

Submissions (3):

Labcorp Genetics (formerly Invitae), Labcorp
Classification: Uncertain significance for Baller-Gerold syndrome. Last evaluated: 2024-12-30. Review status: criteria provided, single submitter. Criteria: Invitae Variant Classification Sherloc (09022015). Collection method: clinical testing. Allele origin: germline.
Comment: This sequence change replaces arginine, which is basic and polar, with histidine, which is basic and polar, at codon 347 of the RECQL4 protein (p.Arg347His). This variant is present in population databases (rs757988816, gnomAD 0.02%). This variant has not been reported in the literature in individuals affected with RECQL4-related conditions. ClinVar contains an entry for this variant (Variation ID: 459293). Invitae Evidence Modeling of protein sequence and biophysical properties (such as structural, functional, and spatial information, amino acid conservation, physicochemical variation, residue mobility, and thermodynamic stability) indicates that this missense variant is not expected to disrupt RECQL4 protein function with a negative predictive value of 80%. In summary, the available evidence is currently insufficient to determine the role of this variant in disease. Therefore, it has been classified as a Variant of Uncertain Significance.

CeGaT Center for Human Genetics Tuebingen
Classification: Uncertain significance. Last evaluated: 2024-10-01. Review status: criteria provided, single submitter. Criteria: CeGaT Center For Human Genetics Tuebingen Variant Classification Criteria Version 2. Collection method: clinical testing. Allele origin: germline. Affected: yes. Observed: 1 variant allele.
Comment: RECQL4: PM2, BP4

Blueprint Genetics
Classification: Uncertain significance. Last evaluated: 2024-01-10. Review status: criteria provided, single submitter. Criteria: ACMG Guidelines, 2015. Collection method: clinical testing. Allele origin: germline.